The following is an entry in ClinVar:

NM_018026.4(PACS1):c.65G>A (p.Gly22Glu)

Gene: PACS1 (phosphofurin acidic cluster sorting protein 1; plus strand). Cytogenetic location: 11q13.1.
Variant type: single nucleotide variant.
Coding change: c.65G>A on transcript NM_018026.4 (MANE Select); coding-DNA position 65, G replaced by A.
Protein change: p.Gly22Glu; replaces glycine 22 with glutamic acid.
Molecular consequence: missense variant.
Genome position (GRCh38, 1-based): chr11:66,070,551, G>A. VCF-style: chr11-66070551-G-A. GRCh37 (hg19) VCF-style: chr11-65838022-G-A.
Other names: c.65G>A (NM_018026.2); short protein forms G22E.
Identifiers: ClinVar variation 1341806 (VCV001341806.2), dbSNP rs1857288713, ClinGen allele CA381507418.

ClinVar aggregate classification (germline): Uncertain significance. Review status: criteria provided, multiple submitters, no conflicts (2 of 4 stars). 2 submissions from 2 submitters: Uncertain significance (2). Last evaluated 2025-11-24.

Conditions:
Schuurs-Hoeijmakers syndrome. Also called: PACS1-Related Neurodevelopmental Disorder. Identifiers: Orphanet 329224, MedGen C3554343, MONDO:0014006, OMIM 615009.
Inborn genetic diseases. Identifiers: MedGen C0950123, MeSH D030342.

Allele frequency attached by ClinVar (database versions not stated): TOPMed 0.00003; gnomAD 0.00001; gnomAD exomes below 0.00001.
gnomAD v4.1: 4 of 1,413,810 alleles (0.00028%); highest among the groups gnomAD compares: Admixed American, 0.0063%; no homozygotes.

Submissions (2):

Ambry Genetics
Classification: Uncertain significance for Inborn genetic diseases. Last evaluated: 2025-11-24. Review status: criteria provided, single submitter. Criteria: Ambry Variant Classification Scheme 2023. Collection method: clinical testing. Allele origin: germline.

New York Genome Center
Classification: Uncertain significance for Schuurs-Hoeijmakers syndrome. Last evaluated: 2021-01-22. Review status: criteria provided, single submitter. Criteria: NYGC Assertion Criteria 2020. Collection method: clinical testing. Allele origin: germline. Observed: 1 heterozygote. Study: CSER-NYCKidSeq.
Comment: The c.65G>A (p.Gly22Glu) variant identified in the PACS1 gene substitutes a moderately conserved Glycine for Glutamic Acid at amino acid 22/964 (exon 1/24). This variant is found with low frequency in gnomAD (3 heterozygotes, 0 homozygotes; allele frequency: 1.98e-5) suggesting it is not a common benign variant in the populations represented in that database. In silico algorithms do not agree on the function of this variant, as it is predicted both Damaging (SIFT; score:0.00) and Benign (REVEL; 0.03099) to the function of the canonical transcript. This variant is absent from ClinVar and to our current knowledge has not been reported in affected individuals in the literature. Given the lack of compelling evidence for its pathogenicity, the c.65G>A (p.Gly22Glu) variant identified in the PACS1 gene is reported as a Variant of Uncertain Significance.